The following is an entry in ClinVar:

NM_018897.3(DNAH7):c.1313G>A (p.Ser438Asn)

Gene: DNAH7 (dynein axonemal heavy chain 7; minus strand). Cytogenetic location: 2q32.3.
Variant type: single nucleotide variant.
Coding change: c.1313G>A on transcript NM_018897.3 (MANE Select); coding-DNA position 1313, G replaced by A.
Protein change: p.Ser438Asn; replaces serine 438 with asparagine.
Molecular consequence: missense variant.
Genome position (GRCh38, 1-based): chr2:196,000,744, C>T on the plus strand (G>A on the coding strand, the complement: DNAH7 is on the minus strand). VCF-style: chr2-196000744-C-T. GRCh37 (hg19) VCF-style: chr2-196865468-C-T.
Other names: short protein forms S438N.
Identifiers: ClinVar variation 791883 (VCV000791883.7), dbSNP rs16843720, ClinGen allele CA2036694.

ClinVar aggregate classification (germline): Benign. Review status: criteria provided, multiple submitters, no conflicts (2 of 4 stars). 3 submissions from 3 submitters: Benign (2). 1 of the submissions does not count toward it. Last evaluated 2019-12-31.

Conditions:
DNAH7-related disorder. Also called: DNAH7-related condition.

Allele frequency attached by ClinVar (database versions not stated): gnomAD exomes 0.00215 and 0.00549; ExAC 0.00651; ESP Exome Variant Server 0.02311; gnomAD 0.02315 and 0.02488; TOPMed 0.02621; 1000 Genomes Project 0.02855; 1000 Genomes Project 30x 0.02936.
gnomAD v4.1: 6,704 of 1,590,374 alleles (0.42%); highest among the groups gnomAD compares: African/African-American, 8.2%; 260 homozygotes.

Submissions (3):

Labcorp Genetics (formerly Invitae), Labcorp
Classification: Benign. Last evaluated: 2019-12-31. Review status: criteria provided, single submitter. Criteria: Invitae Variant Classification Sherloc (09022015). Collection method: clinical testing. Allele origin: germline.

Breakthrough Genomics
Classification: Benign. Review status: criteria provided, single submitter. Criteria: ACMG Guidelines, 2015. Collection method: not provided. Allele origin: germline. Inheritance: Unknown mechanism. Affected: yes.

PreventionGenetics, part of Exact Sciences
Classification: Benign for DNAH7-related condition. Last evaluated: 2024-07-29. Review status: no assertion criteria provided. Collection method: clinical testing. Allele origin: germline. Not counted in ClinVar's aggregate classification.
Comment: This variant is classified as benign based on ACMG/AMP sequence variant interpretation guidelines (Richards et al. 2015 PMID: 25741868, with internal and published modifications).